The following is an entry in ClinVar:

NM_001267550.2(TTN):c.81886del (p.Glu27296fs)

Genes: TTN-AS1 (TTN antisense RNA 1; plus strand), TTN (titin; minus strand). Cytogenetic location: 2q31.2.
Variant type: Deletion.
Coding change: c.81886del on transcript NM_001267550.2 (MANE Select); coding-DNA position 81886, one base deleted (G; older notation c.81886delG).
Protein change: p.Glu27296fs; shifts the reading frame from glutamic acid 27296.
Molecular consequence: frameshift variant.
Genome position (GRCh38, 1-based): chr2:178,564,246, C deleted on the plus strand (G on the coding strand, the reverse complement: TTN is on the minus strand). VCF-style (leftmost placement, unchanged base first): chr2-178564245-TC-T. GRCh37 (hg19) VCF-style: chr2-179428972-TC-T.
Other names: c.74182delG (NM_133378.4); c.76963delG (NM_001256850.1); c.76963del, p.Glu25655fs (NM_001256850.1); c.54691del, p.Glu18231fs (NM_003319.4); c.74182del, p.Glu24728fs (NM_133378.4); c.55066del, p.Glu18356fs (NM_133432.3); c.55267del, p.Glu18423fs (NM_133437.4); short protein forms E25655fs, E18231fs, E18356fs, E18423fs, E27296fs, E24728fs.
Identifiers: ClinVar variation 165801 (VCV000165801.10), dbSNP rs727503557, ClinGen allele CA273253.
Genomic context (GRCh38, chr2:178,564,245, plus strand): 5'-AGTTCTTTTCCATCTTTTGACCAAACAACATCAGGTATAGGTTTGCCACGGATGTCGGCT[TC>T]AAGAACAAAAGTCTCTCCTGCATGAACAACGATGACATCTTTATATTTTGGATCCAGAGA-3'

ClinVar aggregate classification (germline): Pathogenic/Likely pathogenic. Review status: criteria provided, multiple submitters, no conflicts (2 of 4 stars). 3 submissions from 3 submitters: Pathogenic (1); Likely pathogenic (2). Last evaluated 2023-08-17.

Conditions:
Dilated cardiomyopathy 1G (CMD1G). Identifiers: Orphanet 154, MedGen C1858763, MONDO:0011400, OMIM 604145.
Autosomal recessive limb-girdle muscular dystrophy type 2J (LGMDR10). Also called: Limb-girdle muscular dystrophy, type 2J; MUSCULAR DYSTROPHY, LIMB-GIRDLE, AUTOSOMAL RECESSIVE 10. Identifiers: Orphanet 140922, MedGen C1837342, MONDO:0012127, OMIM 608807.
Primary dilated cardiomyopathy (DCM). Also called: Dilated Cardiomyopathy. Identifiers: Orphanet 217604, MedGen C0007193, MeSH D002311, MONDO:0005021, HP:0001644. Inheritance: Various modes of inheritance.

Submissions (3):

Labcorp Genetics (formerly Invitae), Labcorp
Classification: Likely pathogenic for Dilated cardiomyopathy 1G; Autosomal recessive limb-girdle muscular dystrophy type 2J. Last evaluated: 2023-08-17. Review status: criteria provided, single submitter. Criteria: Invitae Variant Classification Sherloc (09022015). Collection method: clinical testing. Allele origin: germline.
Comment: ClinVar contains an entry for this variant (Variation ID: 165801). This premature translational stop signal has been observed in individual(s) with dilated cardiomyopathy (Invitae). This variant is not present in population databases (gnomAD no frequency). This sequence change creates a premature translational stop signal (p.Glu27296Lysfs*54) in the TTN gene. While this is not anticipated to result in nonsense mediated decay, it is expected to disrupt the last 8696 amino acid(s) of the TTN protein. This variant is located in the A band of TTN (PMID: 25589632). Truncating variants in this region are significantly overrepresented in patients affected with dilated cardiomyopathy (PMID: 25589632). Truncating variants in this region have also been reported in individuals affected with autosomal recessive centronuclear myopathy (PMID: 23975875). In summary, the currently available evidence indicates that the variant is pathogenic, but additional data are needed to prove that conclusively. Therefore, this variant has been classified as Likely Pathogenic.

GeneDx
Classification: Pathogenic. Last evaluated: 2021-06-15. Review status: criteria provided, single submitter. Criteria: GeneDx Variant Classification Process June 2021. Collection method: clinical testing. Allele origin: germline. Affected: yes.
Comment: Has not been previously reported as pathogenic or benign to our knowledge; Reported in ClinVar (ClinVar Variant ID# 165801; Landrum et al., 2016); Not observed at significant frequency in large population cohorts (Lek et al., 2016); Frameshift variant predicted to result in protein truncation or nonsense mediated decay in a gene for which loss-of-function is a known mechanism of disease; This variant is associated with the following publications: (PMID: 27535533)

Laboratory for Molecular Medicine, Mass General Brigham Personalized Medicine
Classification: Likely pathogenic for Primary dilated cardiomyopathy. Last evaluated: 2014-07-01. Review status: criteria provided, single submitter. Criteria: LMM Criteria. Collection method: clinical testing. Allele origin: germline. Observed: 1 variant allele.
Comment: The Glu24728fs variant in TTN has not been previously reported in individuals wi th cardiomyopathy or in large population studies. This variant is predicted to c ause a frameshift, which alters the protein?s amino acid sequence beginning at p osition 24728 and leads to a premature termination codon 54 amino acids downstre am. This alteration is then predicted to lead to a truncated or absent protein. Frameshift and other truncating variants in TTN are strongly associated with DCM , particularly if they are located in the exons encoding for the A-band region o f the protein (Herman 2012, Pugh 2014), where this variant is located. In summar y, although additional studies are required to fully establish its clinical sign ificance, the Glu24728fs variant is likely pathogenic.

Literature cited by the submitters: PubMed 25589632 (cited by Labcorp Genetics (formerly Invitae), Labcorp); PubMed 23975875 (cited by Labcorp Genetics (formerly Invitae), Labcorp).